The following is an entry in ClinVar:

ClinVar aggregate classification (germline): Uncertain significance. Review status: criteria provided, multiple submitters, no conflicts (2 of 4 stars). 3 submissions from 3 submitters: Uncertain significance (3). Last evaluated 2025-07-10.

Conditions:
Immunodeficiency 132A. Also called: Herpes simplex encephalitis, susceptibility to, 3. Identifiers: Orphanet 1930, MedGen C3553868, MONDO:0013920, OMIM 614849.
TRAF3-related disorder. Also called: TRAF3 related condition.

Allele frequency attached by ClinVar (database versions not stated): gnomAD exomes below 0.00001 and 0.00002; TOPMed below 0.00001.
gnomAD v4.1: 31 of 1,613,248 alleles (0.0019%); highest among the groups gnomAD compares: Non-Finnish European, 0.0025%; no homozygotes.

Submissions (3):

PreventionGenetics, part of Exact Sciences
Classification: Uncertain significance for TRAF3-related condition. Last evaluated: 2025-07-10. Review status: criteria provided, single submitter. Criteria: ACMG Guidelines, 2015. Collection method: clinical testing. Allele origin: germline.
Comment: The TRAF3 c.568C>A variant is predicted to result in the amino acid substitution p.Gln190Lys. To our knowledge, this variant has not been reported in the literature. This variant is reported in 0.00088% of alleles in individuals of European (Non-Finnish) descent in gnomAD. At this time, the clinical significance of this variant is uncertain due to the absence of conclusive functional and genetic evidence.

Labcorp Genetics (formerly Invitae), Labcorp
Classification: Uncertain significance for Immunodeficiency 132A. Last evaluated: 2024-05-07. Review status: criteria provided, single submitter. Criteria: Invitae Variant Classification Sherloc (09022015). Collection method: clinical testing. Allele origin: germline.
Comment: This sequence change replaces glutamine, which is neutral and polar, with lysine, which is basic and polar, at codon 190 of the TRAF3 protein (p.Gln190Lys). This variant is not present in population databases (gnomAD no frequency). This variant has not been reported in the literature in individuals affected with TRAF3-related conditions. ClinVar contains an entry for this variant (Variation ID: 940036). An algorithm developed to predict the effect of missense changes on protein structure and function (PolyPhen-2) suggests that this variant is likely to be disruptive. In summary, the available evidence is currently insufficient to determine the role of this variant in disease. Therefore, it has been classified as a Variant of Uncertain Significance.

Center for Genomics, Ann and Robert H. Lurie Children's Hospital of Chicago
Classification: Uncertain significance for Immunodeficiency 132A. Last evaluated: 2021-08-16. Review status: criteria provided, single submitter. Criteria: ACMG Guidelines, 2015. Collection method: clinical testing. Allele origin: germline.
Comment: TRAF3 NM_003300.3 exon 5 p.Gln190Lys (c.568C>A): This variant has not been reported in the literature but is present in 0.0009% (1/113118) of European alleles in the Genome Aggregation Database. This variant is present in ClinVar (Variation ID:940036). Evolutionary conservation and computational predictive tools suggest that this variant may impact the protein. In summary, data on this variant is insufficient for disease classification. Therefore, the clinical significance of this variant is uncertain.

NM_145725.3(TRAF3):c.568C>A (p.Gln190Lys)

Gene: TRAF3 (TNF receptor associated factor 3; plus strand). Cytogenetic location: 14q32.32.
Variant type: single nucleotide variant.
Coding change: c.568C>A on transcript NM_145725.3 (MANE Select); coding-DNA position 568, C replaced by A.
Protein change: p.Gln190Lys; replaces glutamine 190 with lysine.
Molecular consequence: missense variant.
Genome position (GRCh38, 1-based): chr14:102,876,523, C>A. VCF-style: chr14-102876523-C-A. GRCh37 (hg19) VCF-style: chr14-103342860-C-A.
Other names: c.568C>A, p.Gln190Lys (NM_001199427.2, NM_001385142.1, NM_001385143.1 and 2 more transcripts); short protein forms Q190K.
Identifiers: ClinVar variation 940036 (VCV000940036.12), dbSNP rs1005450366, ClinGen allele CA267129017.